The following is an entry in ClinVar:

ClinVar aggregate classification (germline): Uncertain significance. Review status: criteria provided, multiple submitters, no conflicts (2 of 4 stars). 2 submissions from 2 submitters: Uncertain significance (2). Last evaluated 2023-07-26.

Conditions:
Greenberg dysplasia (GRBGD). Also called: CHONDRODYSTROPHY, HYDROPIC AND PRENATALLY LETHAL TYPE; MOTH-EATEN SKELETAL DYSPLASIA; HEM SKELETAL DYSPLASIA. Identifiers: Orphanet 1426, MedGen C2931048, MONDO:0008974, OMIM 215140.

Allele frequency attached by ClinVar (database versions not stated): gnomAD exomes 0.00001 and 0.00003; ExAC 0.00002; TOPMed 0.00002; gnomAD 0.00003 and 0.00004; 1000 Genomes Project 30x 0.00016; 1000 Genomes Project 0.00020.
gnomAD v4.1: 54 of 1,614,068 alleles (0.0033%); highest among the groups gnomAD compares: Non-Finnish European, 0.0042%; no homozygotes.

Submissions (2):

Labcorp Genetics (formerly Invitae), Labcorp
Classification: Uncertain significance. Last evaluated: 2023-07-26. Review status: criteria provided, single submitter. Criteria: Invitae Variant Classification Sherloc (09022015). Collection method: clinical testing. Allele origin: germline.
Comment: This variant is present in population databases (rs202123513, gnomAD 0.002%). This sequence change replaces alanine, which is neutral and non-polar, with valine, which is neutral and non-polar, at codon 557 of the LBR protein (p.Ala557Val). This variant has not been reported in the literature in individuals affected with LBR-related conditions. In summary, the available evidence is currently insufficient to determine the role of this variant in disease. Therefore, it has been classified as a Variant of Uncertain Significance. Advanced modeling of protein sequence and biophysical properties (such as structural, functional, and spatial information, amino acid conservation, physicochemical variation, residue mobility, and thermodynamic stability) performed at Invitae indicates that this missense variant is expected to disrupt LBR protein function. ClinVar contains an entry for this variant (Variation ID: 295930).

Illumina Laboratory Services, Illumina
Classification: Uncertain significance for Greenberg dysplasia. Last evaluated: 2018-01-12. Review status: criteria provided, single submitter. Criteria: ICSL Variant Classification Criteria 13 December 2019. Collection method: clinical testing. Allele origin: germline.

NM_002296.4(LBR):c.1670C>T (p.Ala557Val)

Gene: LBR (lamin B receptor; minus strand). Cytogenetic location: 1q42.12.
Variant type: single nucleotide variant.
Coding change: c.1670C>T on transcript NM_002296.4 (MANE Select); coding-DNA position 1670, C replaced by T.
Protein change: p.Ala557Val; replaces alanine 557 with valine.
Molecular consequence: missense variant.
Genome position (GRCh38, 1-based): chr1:225,404,421, G>A on the plus strand (C>T on the coding strand, the complement: LBR is on the minus strand). VCF-style: chr1-225404421-G-A. GRCh37 (hg19) VCF-style: chr1-225592123-G-A.
Other names: c.1670C>T, p.Ala557Val (NM_194442.3); short protein forms A557V.
Identifiers: ClinVar variation 295930 (VCV000295930.8), dbSNP rs202123513, ClinGen allele CA1417071.
Genomic context (GRCh38, chr1:225,404,421, plus strand): 5'-GGCGGCTAAAAGGGTCAAACTAGCACTCTTCTGAAATGCTTACCACATGGGAGGGACCAC[G>A]CCAAGGCCATGATGAGATCACCCAAGTAATTGGGGTGGCGAACAAAGCCCCACCATCCAG-3'
Protein context (NP_002287.2, residues 547-567): NYLGDLIMAL[Ala557Val]WSLPCGFNHI